The following is an entry in ClinVar:

NM_000083.3(CLCN1):c.2533G>A (p.Gly845Ser)

Gene: CLCN1 (chloride voltage-gated channel 1; plus strand). Cytogenetic location: 7q34.
Variant type: single nucleotide variant.
Coding change: c.2533G>A on transcript NM_000083.3 (MANE Select); coding-DNA position 2533, G replaced by A.
Protein change: p.Gly845Ser; replaces glycine 845 with serine.
Molecular consequence: missense variant. On other transcripts: non-coding transcript variant (1).
Genome position (GRCh38, 1-based): chr7:143,350,592, G>A. VCF-style: chr7-143350592-G-A. GRCh37 (hg19) VCF-style: chr7-143047685-G-A.
Other names: short protein forms G845S.
Identifiers: ClinVar variation 2573345 (VCV002573345.2), dbSNP rs755433272, ClinGen allele CA4537723.
Genomic context (GRCh38, chr7:143,350,592, plus strand): 5'-AAGGAACATGCACTGACCTGTGCTCTTCATCCTCAGACTCATACCCTGTTTTCACTCCTT[G>A]GCCTCCACCTCGCTTACGTGACCAGCATGGGGAAGCTCAGGGGCGTCCTGGCCCTGGAGG-3'
Protein context (NP_000074.3, residues 835-855): HKTHTLFSLL[Gly845Ser]LHLAYVTSMG

ClinVar aggregate classification (germline): Uncertain significance. Review status: criteria provided, multiple submitters, no conflicts (2 of 4 stars). 2 submissions from 2 submitters: Uncertain significance (2). Last evaluated 2024-02-20.

Conditions:
Congenital myotonia, autosomal recessive form. Also called: Becker Generalized Myotonia; myotonia congenita, autosomal recessive; BECKER DISEASE. Identifiers: Orphanet 614, MedGen C0751360, MONDO:0009715, OMIM 255700.

gnomAD v4.1: 1 of 1,614,070 alleles (0.000062%); highest among the groups gnomAD compares: Non-Finnish European, 0.000085%; no homozygotes.

Submissions (2):

Laboratory of Medical Genetics, National & Kapodistrian University of Athens
Classification: Uncertain significance for Congenital myotonia, autosomal recessive form. Last evaluated: 2024-02-20. Review status: criteria provided, single submitter. Criteria: ACMG Guidelines, 2015. Collection method: clinical testing. Allele origin: germline. Affected: yes.

Women's Health and Genetics/Laboratory Corporation of America, LabCorp
Classification: Uncertain significance. Last evaluated: 2023-06-27. Review status: criteria provided, single submitter. Criteria: LabCorp Variant Classification Summary - May 2015. Collection method: clinical testing. Allele origin: germline.
Comment: Variant summary: CLCN1 c.2533G>A (p.Gly845Ser) results in a non-conservative amino acid change in the encoded protein sequence. Five of five in-silico tools predict a damaging effect of the variant on protein function. The variant allele was found at a frequency of 4e-06 in 251496 control chromosomes (gnomAD). The available data on variant occurrences in the general population are insufficient to allow any conclusion about variant significance. c.2533G>A has been reported in the literature once as a compound heterozygous genotype and once as an uninformative genotype (i.e. zygosity not specified) in individuals affected with Myotonia congenita (Ulzi_2012, Ferradini_2017). These report(s) do not provide unequivocal conclusions about association of the variant with Myotonia congenita. At least one publication reports experimental evidence evaluating an impact of the variant on ion channel function and showed no damaging effect (Ulzi_2012). The following publications have been ascertained in the context of this evaluation (PMID: 28427807, 22521272). No submitters have cited clinical-significance assessments for this variant to ClinVar after 2014. Based on the evidence outlined above, the variant was classified as uncertain significance.

Literature cited by the submitters: PubMed 28427807 (cited by Women's Health and Genetics/Laboratory Corporation of America, LabCorp); PubMed 22521272 (cited by Women's Health and Genetics/Laboratory Corporation of America, LabCorp).